The following is an entry in ClinVar:

ClinVar aggregate classification (germline): Pathogenic. Review status: criteria provided, multiple submitters, no conflicts (2 of 4 stars). 6 submissions from 6 submitters: Pathogenic (6). Last evaluated 2024-10-25.

Conditions:
Meckel syndrome, type 4 (MKS4). Also called: MECKEL-GRUBER SYNDROME, TYPE 4. Identifiers: Orphanet 564, MedGen C1970161, MONDO:0012626, OMIM 611134.
CEP290-related ciliopathy. Also called: CEP290 ciliopathy. Identifiers: MedGen CN305601, MONDO:0100451.
CEP290-related disorder. Also called: CEP290-related disorders; CEP290-related condition. Identifiers: MedGen CN239314.
Nephronophthisis. Also called: Juvenile Nephronophthisis. Identifiers: Orphanet 655, MedGen C0687120, MONDO:0019005, HP:0000090.
Joubert syndrome. Also called: Familial aplasia of the vermis; JOUBERT-BOLTSHAUSER SYNDROME. Identifiers: Orphanet 475, MedGen C5979921, MONDO:0018772.
Meckel-Gruber syndrome. Also called: DYSENCEPHALIA SPLANCHNOCYSTICA; Dysencephalia splachnocystica; GRUBER SYNDROME. Identifiers: Orphanet 564, MedGen C0265215, MONDO:0018921.
Joubert syndrome 5 (JBTS5). Identifiers: Orphanet 2318, MedGen C1857780, MONDO:0012432, OMIM 610188.

Allele frequency attached by ClinVar (database versions not stated): gnomAD exomes below 0.00001.
gnomAD v4.1: 1 of 1,602,248 alleles (0.000062%); highest among the groups gnomAD compares: Admixed American, 0.0017%; no homozygotes.

Submissions (6):

Blueprint Genetics
Classification: Pathogenic for CEP290-related disorders. Last evaluated: 2024-10-25. Review status: criteria provided, single submitter. Criteria: ACMG Guidelines, 2015. Collection method: clinical testing. Allele origin: germline. Affected: yes. Observed: 4 variant alleles.

Myriad Genetics, Inc.
Classification: Pathogenic for CEP290-related ciliopathy. Last evaluated: 2024-06-29. Review status: criteria provided, single submitter. Criteria: Myriad Autosomal Dominant, Autosomal Recessive and X-Linked Classification Criteria (2023). Collection method: clinical testing. Allele origin: unknown.
Comment: NM_025114.3(CEP290):c.654T>G(Y218*) is expected to be pathogenic in the context of CEP290-related disorders. This variant is predicted to lead to an abnormal or absent protein product due to the creation of a premature termination codon in CEP290, a gene where loss-of-function variants are known to be pathogenic. Please note: this variant was assessed in the context of healthy population screening.

Labcorp Genetics (formerly Invitae), Labcorp
Classification: Pathogenic for Joubert syndrome; Meckel-Gruber syndrome; Nephronophthisis. Last evaluated: 2023-10-28. Review status: criteria provided, single submitter. Criteria: Invitae Variant Classification Sherloc (09022015). Collection method: clinical testing. Allele origin: germline.
Comment: This sequence change creates a premature translational stop signal (p.Tyr218*) in the CEP290 gene. It is expected to result in an absent or disrupted protein product. Loss-of-function variants in CEP290 are known to be pathogenic (PMID: 16909394, 17345604, 20690115). This variant is not present in population databases (gnomAD no frequency). This premature translational stop signal has been observed in individual(s) with clinical features of Joubert syndrome (PMID: 26092869). ClinVar contains an entry for this variant (Variation ID: 217630). For these reasons, this variant has been classified as Pathogenic.

GeneDx
Classification: Pathogenic. Last evaluated: 2023-10-19. Review status: criteria provided, single submitter. Criteria: GeneDx Variant Classification Process June 2021. Collection method: clinical testing. Allele origin: germline. Affected: yes.
Comment: Nonsense variant predicted to result in protein truncation or nonsense mediated decay in a gene for which loss of function is a known mechanism of disease; Not observed at significant frequency in large population cohorts (gnomAD); This variant is associated with the following publications: (PMID: 26092869)

Genetic Services Laboratory, University of Chicago
Classification: Pathogenic for Meckel syndrome 4. Last evaluated: 2017-05-24. Review status: criteria provided, single submitter. Criteria: ACMG Guidelines, 2015. Collection method: clinical testing. Allele origin: germline. Affected: yes.

UW Hindbrain Malformation Research Program, University of Washington
Classification: Pathogenic for Joubert syndrome 5. Last evaluated: 2015-02-23. Review status: criteria provided, single submitter. Criteria: Bachmann-Gagescu et al. (J Med Genet. 2015). Collection method: research. Allele origin: unknown. Affected: yes.

Literature cited by the submitters: PubMed 16909394 (cited by Labcorp Genetics (formerly Invitae), Labcorp); PubMed 17345604 (cited by Labcorp Genetics (formerly Invitae), Labcorp); PubMed 20690115 (cited by Labcorp Genetics (formerly Invitae), Labcorp); PubMed 26092869 (cited by Labcorp Genetics (formerly Invitae), Labcorp).

NM_025114.4(CEP290):c.654T>G (p.Tyr218Ter)

Gene: CEP290 (centrosomal protein 290; minus strand). Cytogenetic location: 12q21.32.
Variant type: single nucleotide variant.
Coding change: c.654T>G on transcript NM_025114.4 (MANE Select); coding-DNA position 654, T replaced by G.
Protein change: p.Tyr218Ter; replaces tyrosine 218 with a stop codon.
Molecular consequence: nonsense.
Genome position (GRCh38, 1-based): chr12:88,130,283, A>C on the plus strand (T>G on the coding strand, the complement: CEP290 is on the minus strand). VCF-style: chr12-88130283-A-C. GRCh37 (hg19) VCF-style: chr12-88524060-A-C.
Other names: short protein forms Y218*.
Identifiers: ClinVar variation 217630 (VCV000217630.14), dbSNP rs863225185, ClinGen allele CA279451.